The following is an entry in ClinVar:

NM_003073.5(SMARCB1):c.1155G>T (p.Trp385Cys)

Gene: SMARCB1 (SWI/SNF related BAF chromatin remodeling complex subunit B1; plus strand). Cytogenetic location: 22q11.23.
Variant type: single nucleotide variant.
Coding change: c.1155G>T on transcript NM_003073.5 (MANE Select); coding-DNA position 1155, G replaced by T.
Protein change: p.Trp385Cys; replaces tryptophan 385 with cysteine.
Molecular consequence: missense variant.
Genome position (GRCh38, 1-based): chr22:23,834,177, G>T. VCF-style: chr22-23834177-G-T. GRCh37 (hg19) VCF-style: chr22-24176364-G-T.
Other names: c.1128G>T, p.Trp376Cys (NM_001007468.3); c.1182G>T, p.Trp394Cys (NM_001317946.2); c.1209G>T, p.Trp403Cys (NM_001362877.2); short protein forms W376C, W403C, W394C, W385C.
Identifiers: ClinVar variation 859091 (VCV000859091.9), dbSNP rs2030841425, ClinGen allele CA410914826.

ClinVar aggregate classification (germline): Uncertain significance (1 of 4 stars; one submission).

Submission:

Labcorp Genetics (formerly Invitae), Labcorp
Classification: Uncertain significance. Last evaluated: 2019-11-27. Review status: criteria provided, single submitter. Criteria: Invitae Variant Classification Sherloc (09022015). Collection method: clinical testing. Allele origin: germline.
Comment: In summary, the available evidence is currently insufficient to determine the role of this variant in disease. Therefore, it has been classified as a Variant of Uncertain Significance. Algorithms developed to predict the effect of missense changes on protein structure and function (SIFT, PolyPhen-2, Align-GVGD) all suggest that this variant is likely to be disruptive, but these predictions have not been confirmed by published functional studies and their clinical significance is uncertain. This variant has not been reported in the literature in individuals with SMARCB1-related conditions. This variant is not present in population databases (ExAC no frequency). This sequence change replaces tryptophan with cysteine at codon 385 of the SMARCB1 protein (p.Trp385Cys). The tryptophan residue is highly conserved and there is a large physicochemical difference between tryptophan and cysteine.